The following is an entry in ClinVar:

NM_206933.4(USH2A):c.2296T>C (p.Cys766Arg)

Gene: USH2A (usherin; minus strand). Cytogenetic location: 1q41.
Variant type: single nucleotide variant.
Coding change: c.2296T>C on transcript NM_206933.4 (MANE Select); coding-DNA position 2296, T replaced by C.
Protein change: p.Cys766Arg; replaces cysteine 766 with arginine.
Molecular consequence: missense variant.
Genome position (GRCh38, 1-based): chr1:216,247,098, A>G on the plus strand (T>C on the coding strand, the complement: USH2A is on the minus strand). VCF-style: chr1-216247098-A-G. GRCh37 (hg19) VCF-style: chr1-216420440-A-G.
Other names: c.2296T>C, p.Cys766Arg (NM_007123.6); short protein forms C766R.
Identifiers: ClinVar variation 812458 (VCV000812458.32), dbSNP rs368687374, ClinGen allele CA1396250.

ClinVar aggregate classification (germline): Pathogenic/Likely pathogenic. Review status: criteria provided, multiple submitters, no conflicts (2 of 4 stars). 14 submissions from 13 submitters: Pathogenic (7); Likely pathogenic (6). 1 of the submissions does not count toward it. Last evaluated 2026-04-10.

Conditions:
Retinitis pigmentosa 39 (RP39). Identifiers: Orphanet 791, MedGen C3151138, MONDO:0013436, OMIM 613809.
Usher syndrome type 2A. Also called: RETINAL DISEASE IN USHER SYNDROME TYPE IIA, MODIFIER OF; USHER SYNDROME, TYPE IIA. Identifiers: Orphanet 231178, Orphanet 886, MedGen C1848634, MONDO:0010169, OMIM 276901.
Retinitis pigmentosa (RP). Identifiers: Orphanet 791, MedGen C0035334, MeSH D012174, MONDO:0019200, OMIM 268000. Inheritance: Autosomal dominant, autosomal recessive and X linked inheritance.
Usher syndrome. Also called: Usher's syndrome; Usher Syndromes. Identifiers: Orphanet 886, MedGen CN469326, MeSH D052245, MONDO:0019501. Disease mechanism: loss of function.
Retinal dystrophy. Also called: Inherited retinal dystrophy. Identifiers: Orphanet 71862, MedGen C0854723, MeSH D058499, MONDO:0019118, HP:0000556.
USH2A-related disorder. Also called: USH2A-related condition; USH2A-related disorders. Identifiers: MedGen CN239332.

Allele frequency attached by ClinVar (database versions not stated): gnomAD 0.00001 and 0.00004; TOPMed 0.00004; ExAC 0.00008; ESP Exome Variant Server 0.00008.
gnomAD v4.1: 57 of 1,613,876 alleles (0.0035%); highest among the groups gnomAD compares: Non-Finnish European, 0.0046%; no homozygotes.

Submissions (14):

PreventionGenetics, part of Exact Sciences
Classification: Pathogenic for USH2A-related condition. Last evaluated: 2026-04-10. Review status: criteria provided, single submitter. Criteria: ACMG Guidelines, 2015. Collection method: clinical testing. Allele origin: germline.
Comment: The USH2A c.2296T>C variant is predicted to result in the amino acid substitution p.Cys766Arg. This variant has been reported in multiple individuals with USH2A-related retinal disease (see for examples: Table S1, Glöckle et al. 2014. PubMed ID: 23591405; Foote et al. 2019. PubMed ID: 30924848; Table S1, Lin et al. 2024. PubMed ID: 38219857). This variant is present in 0.0088% of alleles in individuals of European (Non-Finnish) descent in gnomAD. This variant is interpreted as pathogenic.

Labcorp Genetics (formerly Invitae), Labcorp
Classification: Pathogenic. Last evaluated: 2026-01-20. Review status: criteria provided, single submitter. Criteria: Invitae Variant Classification Sherloc (09022015). Collection method: clinical testing. Allele origin: germline.
Comment: This sequence change replaces cysteine, which is neutral and slightly polar, with arginine, which is basic and polar, at codon 766 of the USH2A protein (p.Cys766Arg). This variant is present in population databases (rs368687374, gnomAD 0.008%). This missense change has been observed in individual(s) with retinitis pigmentosa (PMID: 23591405, 25404053, 26927203, 30924848, 33576794). In at least one individual the data is consistent with being in trans (on the opposite chromosome) from a pathogenic variant. ClinVar contains an entry for this variant (Variation ID: 812458). Invitae Evidence Modeling of protein sequence and biophysical properties (such as structural, functional, and spatial information, amino acid conservation, physicochemical variation, residue mobility, and thermodynamic stability) indicates that this missense variant is expected to disrupt USH2A protein function with a positive predictive value of 95%. For these reasons, this variant has been classified as Pathogenic.

CeGaT Center for Human Genetics Tuebingen
Classification: Pathogenic. Last evaluated: 2025-11-01. Review status: criteria provided, single submitter. Criteria: CeGaT Center For Human Genetics Tuebingen Variant Classification Criteria Version 2. Collection method: clinical testing. Allele origin: germline. Affected: yes. Observed: 1 variant allele.
Comment: USH2A: PM3:Strong, PM1, PM2, PM5

Natera, Inc.
Classification: Pathogenic for Usher syndrome type 2A. Last evaluated: 2025-08-12. Review status: criteria provided, single submitter. Criteria: Natera Variant Classification Schema (03/2026). Collection method: clinical testing. Allele origin: germline.
Comment: The c.2296T>C variant in USH2A is a missense variant predicted to cause substitution of cysteine to arginine at amino acid 766. This variant is rare in the general population with a frequency below the threshold expected for the associated phenotype(s). This variant has been observed in one or more individuals affected with the associated recessive disease, as either homozygous or compound heterozygous with a second variant (PMID: 27460420, 25404053, 32531858). Computational prediction algorithms indicate this variant is likely to affect gene or protein function. Given the available evidence, this variant is classified as Pathogenic.

Blueprint Genetics
Classification: Pathogenic for USH2A-related disorders. Last evaluated: 2024-08-29. Review status: criteria provided, single submitter. Criteria: ACMG Guidelines, 2015. Collection method: clinical testing. Allele origin: germline. Affected: yes. Observed: 5 variant alleles.

Baylor Genetics
Classification: Likely pathogenic for Retinitis pigmentosa 39. Last evaluated: 2024-03-26. Review status: criteria provided, single submitter. Criteria: ACMG Guidelines, 2015. Collection method: clinical testing. Allele origin: unknown.

Genome-Nilou Lab
Classification: Likely pathogenic for Retinitis pigmentosa 39. Last evaluated: 2023-11-04. Review status: criteria provided, single submitter. Criteria: ACMG Guidelines, 2015. Collection method: clinical testing. Allele origin: germline. Affected: no.

Genome-Nilou Lab
Classification: Likely pathogenic for Usher syndrome type 2A. Last evaluated: 2023-11-04. Review status: criteria provided, single submitter. Criteria: ACMG Guidelines, 2015. Collection method: clinical testing. Allele origin: germline. Affected: no.

Women's Health and Genetics/Laboratory Corporation of America, LabCorp
Classification: Pathogenic for Usher syndrome. Last evaluated: 2023-03-22. Review status: criteria provided, single submitter. Criteria: LabCorp Variant Classification Summary - May 2015. Collection method: clinical testing. Allele origin: germline.
Comment: Variant summary: USH2A c.2296T>C (p.Cys766Arg) results in a non-conservative amino acid change located in the Laminin-type EGF domain (IPR002049) of the encoded protein sequence. Five of five in-silico tools predict a damaging effect of the variant on protein function. The variant allele was found at a frequency of 4e-05 in 250826 control chromosomes (gnomAD). This frequency is not significantly higher than estimated for a pathogenic variant in USH2A causing Usher Syndrome (4e-05 vs 0.011), allowing no conclusion about variant significance. c.2296T>C has been reported in the literature as a biallelic genotype in multiple individuals affected with Retinitis Pigmentosa or Usher Syndrome (e.g. Aparisi_2014, Bonnet_2016, Karali_2019, Weisschuh_2020). These data indicate that the variant is very likely to be associated with disease. To our knowledge, no experimental evidence demonstrating an impact on protein function has been reported. Seven ClinVar submitters have assessed the variant since 2014: four classified the variant as likely pathogenic, and three as pathogenic. Based on the evidence outlined above, the variant was classified as pathogenic.

Fulgent Genetics
Classification: Pathogenic for Usher syndrome type 2A; Retinitis pigmentosa 39. Last evaluated: 2022-03-08. Review status: criteria provided, single submitter. Criteria: ACMG Guidelines, 2015. Collection method: clinical testing. Allele origin: unknown.

Revvity Omics, Revvity
Classification: Likely pathogenic. Last evaluated: 2021-09-08. Review status: criteria provided, single submitter. Criteria: ACMG Guidelines, 2015. Collection method: clinical testing. Allele origin: germline.

Broad Center for Mendelian Genomics, Broad Institute of MIT and Harvard
Classification: Likely pathogenic for Retinitis pigmentosa. Last evaluated: 2021-04-01. Review status: criteria provided, single submitter. Criteria: ACMG Guidelines, 2015. Collection method: curation. Allele origin: germline. Inheritance: Autosomal recessive inheritance. Affected: yes.
Comment: Through a review of available evidence we were able to apply the following criteria: PM2, PP3, PM3-S. Based on this evidence we have classified this variant as Likely Pathogenic. If you have any questions about the classification please reach out to the Pierce Lab.

Institute of Human Genetics, Univ. Regensburg, Univ. Regensburg
Classification: Likely pathogenic for Retinal dystrophy. Last evaluated: 2016-01-01. Review status: criteria provided, single submitter. Criteria: ACMG Guidelines, 2015. Collection method: clinical testing. Allele origin: germline. Affected: yes.

Sharon lab, Hadassah-Hebrew University Medical Center
Classification: Likely pathogenic for Retinitis pigmentosa. Last evaluated: 2019-06-23. Review status: no assertion criteria provided. Collection method: research. Allele origin: inherited. Affected: yes. Not counted in ClinVar's aggregate classification.

Literature cited by the submitters: PubMed 23591405 (cited by 3 submitters); PubMed 25404053 (cited by 5 submitters); PubMed 26927203 (cited by Labcorp Genetics (formerly Invitae), Labcorp); PubMed 30924848 (cited by 3 submitters); PubMed 33576794 (cited by Labcorp Genetics (formerly Invitae), Labcorp and Institute of Human Genetics, Univ. Regensburg, Univ. Regensburg); PubMed 27460420 (cited by Natera, Inc. and Women's Health and Genetics/Laboratory Corporation of America, LabCorp); PubMed 32531858 (cited by 3 submitters); PubMed 31877679 (cited by Women's Health and Genetics/Laboratory Corporation of America, LabCorp and Institute of Human Genetics, Univ. Regensburg, Univ. Regensburg); PubMed 34906470 (cited by Broad Center for Mendelian Genomics, Broad Institute of MIT and Harvard); PubMed 31456290 (cited by Broad Center for Mendelian Genomics, Broad Institute of MIT and Harvard and Institute of Human Genetics, Univ. Regensburg, Univ. Regensburg); PubMed 31964843 (cited by Institute of Human Genetics, Univ. Regensburg, Univ. Regensburg); PubMed 34781295 (cited by Institute of Human Genetics, Univ. Regensburg, Univ. Regensburg); PubMed 35266249 (cited by Institute of Human Genetics, Univ. Regensburg, Univ. Regensburg); PubMed 36460718 (cited by Institute of Human Genetics, Univ. Regensburg, Univ. Regensburg).